The following is an entry in ClinVar:

ClinVar aggregate classification (germline): Uncertain significance (1 of 4 stars; one submission).

Conditions:
Muscular dystrophy-dystroglycanopathy (congenital with brain and eye anomalies), type A2. Also called: MUSCULAR DYSTROPHY-DYSTROGLYCANOPATHY (CONGENITAL WITH BRAIN AND EYE ANOMALIES), TYPE A, 2; WALKER-WARBURG SYNDROME OR MUSCLE-EYE-BRAIN DISEASE, POMT2-RELATED. Identifiers: Orphanet 588, Orphanet 899, MedGen C3150411, MONDO:0013154, OMIM 613150.
Autosomal recessive limb-girdle muscular dystrophy type 2N. Also called: MUSCULAR DYSTROPHY-DYSTROGLYCANOPATHY, LIMB-GIRDLE, POMT2-RELATED; Muscular dystrophy-dystroglycanopathy (limb-girdle), type C, 2. Identifiers: Orphanet 206559, MedGen C3150418, MONDO:0013162, OMIM 613158.
Muscular dystrophy-dystroglycanopathy (congenital with impaired intellectual development), type B, 2. Also called: MUSCULAR DYSTROPHY, CONGENITAL, POMT2-RELATED; Muscular dystrophy-dystroglycanopathy (congenital with intellectual disability), type B2. Identifiers: MedGen C3150416, MONDO:0013160, OMIM 613156.

Allele frequency attached by ClinVar (database versions not stated): ExAC 0.00003.
gnomAD v4.1: 6 of 1,578,090 alleles (0.00038%); highest among the groups gnomAD compares: Non-Finnish European, 0.00052%; no homozygotes.

Submission:

Labcorp Genetics (formerly Invitae), Labcorp
Classification: Uncertain significance for Muscular dystrophy-dystroglycanopathy (congenital with impaired intellectual development), type B, 2; Muscular dystrophy-dystroglycanopathy (congenital with brain and eye anomalies), type A2; Autosomal recessive limb-girdle muscular dystrophy type 2N. Last evaluated: 2022-06-20. Review status: criteria provided, single submitter. Criteria: Invitae Variant Classification Sherloc (09022015). Collection method: clinical testing. Allele origin: germline.
Comment: This sequence change falls in intron 4 of the POMT2 gene. It does not directly change the encoded amino acid sequence of the POMT2 protein. It affects a nucleotide within the consensus splice site. The frequency data for this variant in the population databases is considered unreliable, as metrics indicate poor data quality at this position in the gnomAD database. This variant has not been reported in the literature in individuals affected with POMT2-related conditions. Variants that disrupt the consensus splice site are a relatively common cause of aberrant splicing (PMID: 17576681, 9536098). Algorithms developed to predict the effect of sequence changes on RNA splicing suggest that this variant may disrupt the consensus splice site. In summary, the available evidence is currently insufficient to determine the role of this variant in disease. Therefore, it has been classified as a Variant of Uncertain Significance.

Literature cited by the submitters: PubMed 17576681; PubMed 9536098.

NM_013382.7(POMT2):c.547+5G>A

Gene: POMT2 (protein O-mannosyltransferase 2; minus strand). Cytogenetic location: 14q24.3.
Variant type: single nucleotide variant.
Coding change: c.547+5G>A on transcript NM_013382.7 (MANE Select); 5 bases into the intron after coding-DNA position 547, G replaced by A.
Molecular consequence: intron variant.
Genome position (GRCh38, 1-based): chr14:77,304,687, C>T on the plus strand (G>A on the coding strand, the complement: POMT2 is on the minus strand). VCF-style: chr14-77304687-C-T. GRCh37 (hg19) VCF-style: chr14-77771030-C-T.
Identifiers: ClinVar variation 1375723 (VCV001375723.3), dbSNP rs773914478, ClinGen allele CA7286183.